The following is an entry in ClinVar:

NC_000014.9:g.(?_34710372)_(34713686_?)del

Gene: CFL2 (cofilin 2; minus strand). Cytogenetic location: 14q13.1.
Variant type: Deletion.
Identifiers: ClinVar variation 657372 (VCV000657372.8).

ClinVar aggregate classification (germline): Pathogenic (1 of 4 stars; one submission).

Conditions:
Nemaline myopathy 7 (NEM7). Also called: Nemaline myopathy 7, autosomal recessive. Identifiers: Orphanet 171436, MedGen C1853154, MONDO:0012538, OMIM 610687.

Submission:

Labcorp Genetics (formerly Invitae), Labcorp
Classification: Pathogenic for Nemaline myopathy 7. Last evaluated: 2020-11-11. Review status: criteria provided, single submitter. Criteria: Invitae Variant Classification Sherloc (09022015). Collection method: clinical testing. Allele origin: germline.
Comment: For these reasons, this variant has been classified as Pathogenic. Loss-of-function variants in CFL2 are known to be pathogenic (PMID:¬†27447704, 24610938, 29457652). A gross deletion of the genomic region encompassing the full coding sequence of the CFL2 gene has been identified. The boundaries of this event are unknown as the deletion extends beyond the assayed region for this gene and therefore may encompass additional genes.